The following is an entry in ClinVar:

NM_024675.4(PALB2):c.3220C>G (p.Leu1074Val)

Gene: PALB2 (partner and localizer of BRCA2; minus strand). Cytogenetic location: 16p12.2.
Variant type: single nucleotide variant.
Coding change: c.3220C>G on transcript NM_024675.4 (MANE Select); coding-DNA position 3220, C replaced by G.
Protein change: p.Leu1074Val; replaces leucine 1074 with valine.
Molecular consequence: missense variant.
Genome position (GRCh38, 1-based): chr16:23,607,994, G>C on the plus strand (C>G on the coding strand, the complement: PALB2 is on the minus strand). VCF-style: chr16-23607994-G-C. GRCh37 (hg19) VCF-style: chr16-23619315-G-C.
Other names: short protein forms L1074V.
Identifiers: ClinVar variation 421293 (VCV000421293.23), dbSNP rs1057523330, ClinGen allele CA16620115.

ClinVar aggregate classification (germline): Uncertain significance. Review status: criteria provided, multiple submitters, no conflicts (2 of 4 stars). 6 submissions from 6 submitters: Uncertain significance (6). Last evaluated 2025-10-02.

Conditions:
Familial cancer of breast. Also called: hereditary breast carcinoma; Hereditary breast cancer; BREAST CANCER, FAMILIAL. Identifiers: Orphanet 227535, MedGen C0346153, MONDO:0016419, OMIM 114480. Disease mechanism: loss of function.
Hereditary cancer-predisposing syndrome. Also called: Hereditary neoplastic syndrome; Hereditary Cancer Syndrome; Neoplastic Syndromes, Hereditary; Tumor predisposition. Identifiers: Orphanet 140162, MedGen C0027672, MeSH D009386, MONDO:0015356.
Fanconi anemia complementation group N. Also called: PALB2-Related Fanconi Anemia. Identifiers: Orphanet 84, MedGen C1835817, MONDO:0012565, OMIM 610832. Disease mechanism: loss of function.
Pancreatic cancer, susceptibility to, 3. Identifiers: Orphanet 1333, MedGen C3150547, MONDO:0013236, OMIM 613348.

Allele frequency attached by ClinVar (database versions not stated): gnomAD exomes below 0.00001; TOPMed below 0.00001.
gnomAD v4.1: 1 of 1,613,858 alleles (0.000062%); highest among the groups gnomAD compares: Non-Finnish European, 0.000085%; no homozygotes.

Submissions (6):

Labcorp Genetics (formerly Invitae), Labcorp
Classification: Uncertain significance for Familial cancer of breast. Last evaluated: 2025-10-02. Review status: criteria provided, single submitter. Criteria: Invitae Variant Classification Sherloc (09022015). Collection method: clinical testing. Allele origin: germline.
Comment: This sequence change replaces leucine, which is neutral and non-polar, with valine, which is neutral and non-polar, at codon 1074 of the PALB2 protein (p.Leu1074Val). This variant is not present in population databases (gnomAD no frequency). This missense change has been observed in individual(s) with breast cancer (PMID: 30638972). ClinVar contains an entry for this variant (Variation ID: 421293). An algorithm developed to predict the effect of missense changes on protein structure and function (PolyPhen-2) suggests that this variant is likely to be disruptive. RNA analysis performed to evaluate the impact of this missense change on mRNA splicing indicates it does not significantly alter splicing (internal data). In summary, the available evidence is currently insufficient to determine the role of this variant in disease. Therefore, it has been classified as a Variant of Uncertain Significance.

Ambry Genetics
Classification: Uncertain significance for Hereditary cancer-predisposing syndrome. Last evaluated: 2025-05-08. Review status: criteria provided, single submitter. Criteria: Ambry Variant Classification Scheme 2023. Collection method: clinical testing. Allele origin: germline.
Comment: The p.L1074V variant (also known as c.3220C>G), located in coding exon 12 of the PALB2 gene, results from a C to G substitution at nucleotide position 3220. The leucine at codon 1074 is replaced by valine, an amino acid with highly similar properties. This amino acid position is highly conserved in available vertebrate species. In addition, this alteration is predicted to be tolerated by in silico analysis. Since supporting evidence is limited at this time, the clinical significance of this alteration remains unclear.

GeneDx
Classification: Uncertain significance. Last evaluated: 2024-01-31. Review status: criteria provided, single submitter. Criteria: GeneDx Variant Classification Process June 2021. Collection method: clinical testing. Allele origin: germline. Affected: yes.
Comment: Not observed at significant frequency in large population cohorts (gnomAD); In silico analysis supports that this missense variant does not alter protein structure/function; Observed in individuals with breast cancer (PMID: 28779002); This variant is associated with the following publications: (PMID: 30638972, 24485656, 19609323, 20871615, 28779002)

Fulgent Genetics
Classification: Uncertain significance for Familial cancer of breast; Fanconi anemia complementation group N; Pancreatic cancer, susceptibility to, 3. Last evaluated: 2022-02-24. Review status: criteria provided, single submitter. Criteria: ACMG Guidelines, 2015. Collection method: clinical testing. Allele origin: unknown.

Quest Diagnostics Nichols Institute San Juan Capistrano
Classification: Uncertain significance. Last evaluated: 2021-03-15. Review status: criteria provided, single submitter. Criteria: Quest Diagnostics criteria. Collection method: clinical testing. Allele origin: unknown.

PreventionGenetics, part of Exact Sciences
Classification: Uncertain significance. Last evaluated: 2017-12-13. Review status: criteria provided, single submitter. Criteria: ACMG Guidelines, 2015. Collection method: clinical testing. Allele origin: germline.

Literature cited by the submitters: PubMed 30638972 (cited by Labcorp Genetics (formerly Invitae), Labcorp and Quest Diagnostics Nichols Institute San Juan Capistrano); PubMed 28779002 (cited by Quest Diagnostics Nichols Institute San Juan Capistrano).